The following is an entry in ClinVar:

ClinVar aggregate classification (germline): Uncertain significance. Review status: criteria provided, multiple submitters, no conflicts (2 of 4 stars). 2 submissions from 2 submitters: Uncertain significance (2). Last evaluated 2026-09-01.

Conditions:
Inborn genetic diseases. Identifiers: MedGen C0950123, MeSH D030342.

Allele frequency attached by ClinVar (database versions not stated): TOPMed 0.00001; gnomAD 0.00003.
gnomAD v4.1: 75 of 1,613,654 alleles (0.0046%); highest among the groups gnomAD compares: Middle Eastern, 0.099%; no homozygotes.

Submissions (2):

CeGaT Center for Human Genetics Tuebingen
Classification: Uncertain significance. Last evaluated: 2026-09-01. Review status: criteria provided, single submitter. Criteria: CeGaT Center For Human Genetics Tuebingen Variant Classification Criteria Version 2. Collection method: clinical testing. Allele origin: germline. Affected: yes. Observed: 1 variant allele.
Comment: GEMIN5: PM2, BP4

Ambry Genetics
Classification: Uncertain significance for Inborn genetic diseases. Last evaluated: 2024-02-27. Review status: criteria provided, single submitter. Criteria: Ambry Variant Classification Scheme 2023. Collection method: clinical testing. Allele origin: germline.

NM_015465.5(GEMIN5):c.3449C>T (p.Thr1150Met)

Gene: GEMIN5 (gem nuclear organelle associated protein 5; minus strand). Cytogenetic location: 5q33.2.
Variant type: single nucleotide variant.
Coding change: c.3449C>T on transcript NM_015465.5 (MANE Select); coding-DNA position 3449, C replaced by T.
Protein change: p.Thr1150Met; replaces threonine 1150 with methionine.
Molecular consequence: missense variant.
Genome position (GRCh38, 1-based): chr5:154,896,240, G>A on the plus strand (C>T on the coding strand, the complement: GEMIN5 is on the minus strand). VCF-style: chr5-154896240-G-A. GRCh37 (hg19) VCF-style: chr5-154275800-G-A.
Other names: c.3446C>T, p.Thr1149Met (NM_001252156.2); short protein forms T1150M, T1149M.
Identifiers: ClinVar variation 3099386 (VCV003099386.2), dbSNP rs755153179, ClinGen allele CA3528375.